The following is an entry in ClinVar:

ClinVar aggregate classification (germline): Uncertain significance (1 of 4 stars; one submission).

Conditions:
Hereditary cancer-predisposing syndrome. Also called: Hereditary neoplastic syndrome; Neoplastic Syndromes, Hereditary; Tumor predisposition; Hereditary Cancer Syndrome. Identifiers: Orphanet 140162, MedGen C0027672, MeSH D009386, MONDO:0015356.

Submission:

Ambry Genetics
Classification: Uncertain significance for Hereditary cancer-predisposing syndrome. Last evaluated: 2025-08-27. Review status: criteria provided, single submitter. Criteria: Ambry Variant Classification Scheme 2023. Collection method: clinical testing. Allele origin: germline.
Comment: The p.V76E variant (also known as c.227T>A), located in coding exon 3 of the MUTYH gene, results from a T to A substitution at nucleotide position 227. The valine at codon 76 is replaced by glutamic acid, an amino acid with dissimilar properties. This amino acid position is conserved. In addition, this alteration is predicted to be tolerated by in silico analysis. Based on the available evidence, the clinical significance of this variant remains unclear.

NM_001048174.2(MUTYH):c.143T>A (p.Val48Glu)

Gene: MUTYH (mutY DNA glycosylase; minus strand). Cytogenetic location: 1p34.1.
Variant type: single nucleotide variant.
Coding change: c.143T>A on transcript NM_001048174.2 (MANE Select); coding-DNA position 143, T replaced by A.
Protein change: p.Val48Glu; replaces valine 48 with glutamic acid.
Molecular consequence: missense variant. On other transcripts: 5 prime UTR variant (1), non-coding transcript variant (5), intron variant (5).
Genome position (GRCh38, 1-based): chr1:45,333,534, A>T on the plus strand (T>A on the coding strand, the complement: MUTYH is on the minus strand). VCF-style: chr1-45333534-A-T. GRCh37 (hg19) VCF-style: chr1-45799206-A-T.
Other names: c.143T>A, p.Val48Glu (NM_001048171.2, NM_001048173.2, NM_001293195.2 and 6 more transcripts); c.146T>A, p.Val49Glu (NM_001048172.2, NM_001407071.1, NM_001407078.1 and 2 more transcripts); c.227T>A, p.Val76Glu (NM_001128425.2); c.188T>A, p.Val63Glu (NM_001293190.2); c.176T>A, p.Val59Glu (NM_001293191.2, NM_001407077.1); c.-129T>A (NM_001350650.2); c.218T>A, p.Val73Glu (NM_001407069.1, NM_012222.3); c.185T>A, p.Val62Glu (NM_001407073.1, NM_001407083.1, NM_001407085.1); and 4 more; short protein forms V48E, V59E, V62E, V49E, V20E, V55E, V63E, V73E.
Identifiers: ClinVar variation 4113526 (VCV004113526.1).
Genomic context (GRCh38, chr1:45,333,534, plus strand): 5'-AAGGCTGTGACTTCAGCTACGTCTCTGAATAGATGGTATGAGGAGACAGAGGCCTGCAAT[A>T]CCACCTCTTCCGGCTGCCTGGCCAGGCCTGCTGGGGCCCCAGGACACTCAGCAATCATCC-3'
Protein context (NP_001041639.1, residues 38-58): DGLARQPEEV[Val48Glu]LQASVSSYHL